The following is an entry in ClinVar:

ClinVar aggregate classification (germline): Benign. Review status: criteria provided, multiple submitters, no conflicts (2 of 4 stars). 10 submissions from 10 submitters: Benign (9). 1 of the submissions does not count toward it. Last evaluated 2026-02-04.

Conditions:
Maple syrup urine disease (MSUD). Identifiers: Orphanet 511, MedGen C0024776, MeSH D008375, MONDO:0009563. Disease mechanism: loss of function.

Allele frequency attached by ClinVar (database versions not stated): ESP Exome Variant Server 0.02651; gnomAD 0.04799 and 0.04736; gnomAD exomes 0.08372 and 0.08161; ExAC 0.12686; 1000 Genomes Project 0.06969; TOPMed 0.04002.
gnomAD v4.1: 72,156 of 940,948 alleles (7.7%); highest among the groups gnomAD compares: South Asian, 9.9%; 649 homozygotes.

Submissions 1 to 30 of 50:

Labcorp Genetics (formerly Invitae), Labcorp
Classification: Benign for Maple syrup urine disease. Last evaluated: 2026-02-04. Review status: criteria provided, single submitter. Criteria: Invitae Variant Classification Sherloc (09022015). Collection method: clinical testing. Allele origin: germline.

Genome-Nilou Lab
Classification: Benign for Maple syrup urine disease type 1A. Last evaluated: 2023-04-11. Review status: criteria provided, single submitter. Criteria: ACMG Guidelines, 2015. Collection method: clinical testing. Allele origin: germline. Affected: no.

Women's Health and Genetics/Laboratory Corporation of America, LabCorp
Classification: Benign. Last evaluated: 2021-09-10. Review status: criteria provided, single submitter. Criteria: LabCorp Variant Classification Summary - May 2015. Collection method: clinical testing. Allele origin: germline.

Mayo Clinic Laboratories, Mayo Clinic
Classification: Benign. Last evaluated: 2021-04-07. Review status: criteria provided, single submitter. Criteria: ACMG Guidelines, 2015. Collection method: clinical testing. Allele origin: germline. Observed: 4 variant alleles.

Illumina Laboratory Services, Illumina
Classification: Benign for Maple syrup urine disease type 1A. Last evaluated: 2018-01-12. Review status: criteria provided, single submitter. Criteria: ICSL Variant Classification Criteria 13 December 2019. Collection method: clinical testing. Allele origin: germline.
Comment: This variant was observed in the ICSL laboratory as part of a predisposition screen in an ostensibly healthy population. It had not been previously curated by ICSL or reported in the Human Gene Mutation Database (HGMD: prior to June 1st, 2018), and was therefore a candidate for classification through an automated scoring system. Utilizing variant allele frequency, disease prevalence and penetrance estimates, and inheritance mode, an automated score was calculated to assess if this variant is too frequent to cause the disease. Based on the score and internal cut-off values, a variant classified as benign is not then subjected to further curation. The score for this variant resulted in a classification of benign for this disease.

Genome Diagnostics Laboratory, University Medical Center Utrecht
Classification: Benign for Maple syrup urine disease type 1A. Last evaluated: 2016-09-06. Review status: criteria provided, single submitter. Criteria: ACGS Guidelines, 2013. Collection method: clinical testing. Allele origin: germline. Affected: yes. Study: VKGL Data-share Consensus.

GeneDx
Classification: Benign. Last evaluated: 2015-12-23. Review status: criteria provided, single submitter. Criteria: GeneDx Variant Classification (06012015). Collection method: clinical testing. Allele origin: germline. Affected: yes.
Comment: This variant is considered likely benign or benign based on one or more of the following criteria: it is a conservative change, it occurs at a poorly conserved position in the protein, it is predicted to be benign by multiple in silico algorithms, and/or has population frequency not consistent with disease.

Eurofins Ntd Llc (ga)
Classification: Benign. Last evaluated: 2013-10-30. Review status: criteria provided, single submitter. Criteria: EGL Classification Definitions 2015. Collection method: clinical testing. Allele origin: germline. Observed: 3 variant alleles, 3 heterozygotes.

Breakthrough Genomics
Classification: Benign. Review status: criteria provided, single submitter. Criteria: ACMG Guidelines, 2015. Collection method: not provided. Allele origin: germline. Inheritance: Autosomal recessive inheritance. Affected: yes.

Clinical Genetics, Academic Medical Center
Classification: Benign. Review status: no assertion criteria provided. Collection method: clinical testing. Allele origin: germline. Affected: yes. Study: VKGL Data-share Consensus. Not counted in ClinVar's aggregate classification.

Dr. Peter K. Rogan Lab, Western University
No classification provided (evidence only). Condition: Acute myeloid leukemia. Review status: no classification provided. Collection method: in vitro. Allele origin: not applicable. Functional consequence: retained intron. Not counted in ClinVar's aggregate classification.

Dr. Peter K. Rogan Lab, Western University
No classification provided (evidence only). Condition: Uterine corpus endometrial carcinoma. Review status: no classification provided. Collection method: in vitro. Allele origin: not applicable. Functional consequence: retained intron. Not counted in ClinVar's aggregate classification.

Dr. Peter K. Rogan Lab, Western University
No classification provided (evidence only). Condition: Acute myeloid leukemia. Review status: no classification provided. Collection method: in vitro. Allele origin: not applicable. Functional consequence: retained intron. Not counted in ClinVar's aggregate classification.

Dr. Peter K. Rogan Lab, Western University
No classification provided (evidence only). Condition: Acute myeloid leukemia. Review status: no classification provided. Collection method: in vitro. Allele origin: not applicable. Functional consequence: skipped exon. Not counted in ClinVar's aggregate classification.

Dr. Peter K. Rogan Lab, Western University
No classification provided (evidence only). Condition: Uterine corpus endometrial carcinoma. Review status: no classification provided. Collection method: in vitro. Allele origin: not applicable. Functional consequence: retained intron. Not counted in ClinVar's aggregate classification.

Dr. Peter K. Rogan Lab, Western University
No classification provided (evidence only). Condition: Cervical cancer. Review status: no classification provided. Collection method: in vitro. Allele origin: not applicable. Functional consequence: retained intron. Not counted in ClinVar's aggregate classification.

Dr. Peter K. Rogan Lab, Western University
No classification provided (evidence only). Condition: Cervical cancer. Review status: no classification provided. Collection method: in vitro. Allele origin: not applicable. Functional consequence: skipped exon. Not counted in ClinVar's aggregate classification.

Dr. Peter K. Rogan Lab, Western University
No classification provided (evidence only). Condition: Cervical cancer. Review status: no classification provided. Collection method: in vitro. Allele origin: not applicable. Functional consequence: skipped exon. Not counted in ClinVar's aggregate classification.

Dr. Peter K. Rogan Lab, Western University
No classification provided (evidence only). Condition: Cervical cancer. Review status: no classification provided. Collection method: in vitro. Allele origin: not applicable. Functional consequence: skipped exon, retained intron. Not counted in ClinVar's aggregate classification.

Dr. Peter K. Rogan Lab, Western University
No classification provided (evidence only). Condition: Cervical cancer. Review status: no classification provided. Collection method: in vitro. Allele origin: not applicable. Functional consequence: retained intron. Not counted in ClinVar's aggregate classification.

Dr. Peter K. Rogan Lab, Western University
No classification provided (evidence only). Condition: Cervical cancer. Review status: no classification provided. Collection method: in vitro. Allele origin: not applicable. Functional consequence: skipped exon. Not counted in ClinVar's aggregate classification.

Dr. Peter K. Rogan Lab, Western University
No classification provided (evidence only). Condition: Cervical cancer. Review status: no classification provided. Collection method: in vitro. Allele origin: not applicable. Functional consequence: retained intron. Not counted in ClinVar's aggregate classification.

Dr. Peter K. Rogan Lab, Western University
No classification provided (evidence only). Condition: Sarcoma. Review status: no classification provided. Collection method: in vitro. Allele origin: not applicable. Functional consequence: retained intron. Not counted in ClinVar's aggregate classification.

Dr. Peter K. Rogan Lab, Western University
No classification provided (evidence only). Condition: Sarcoma. Review status: no classification provided. Collection method: in vitro. Allele origin: not applicable. Functional consequence: retained intron. Not counted in ClinVar's aggregate classification.

Dr. Peter K. Rogan Lab, Western University
No classification provided (evidence only). Condition: Sarcoma. Review status: no classification provided. Collection method: in vitro. Allele origin: not applicable. Functional consequence: retained intron. Not counted in ClinVar's aggregate classification.

Dr. Peter K. Rogan Lab, Western University
No classification provided (evidence only). Condition: Gastric cancer. Review status: no classification provided. Collection method: in vitro. Allele origin: not applicable. Functional consequence: retained intron. Not counted in ClinVar's aggregate classification.

Dr. Peter K. Rogan Lab, Western University
No classification provided (evidence only). Condition: Sarcoma. Review status: no classification provided. Collection method: in vitro. Allele origin: not applicable. Functional consequence: retained intron. Not counted in ClinVar's aggregate classification.

Dr. Peter K. Rogan Lab, Western University
No classification provided (evidence only). Condition: Sarcoma. Review status: no classification provided. Collection method: in vitro. Allele origin: not applicable. Functional consequence: skipped exon. Not counted in ClinVar's aggregate classification.

Dr. Peter K. Rogan Lab, Western University
No classification provided (evidence only). Condition: Sarcoma. Review status: no classification provided. Collection method: in vitro. Allele origin: not applicable. Functional consequence: skipped exon. Not counted in ClinVar's aggregate classification.

Dr. Peter K. Rogan Lab, Western University
No classification provided (evidence only). Condition: Sarcoma. Review status: no classification provided. Collection method: in vitro. Allele origin: not applicable. Functional consequence: retained intron. Not counted in ClinVar's aggregate classification.

NM_001918.5(DBT):c.1210-10T>A

Gene: DBT (dihydrolipoamide branched chain transacylase E2; minus strand). Cytogenetic location: 1p21.2.
Variant type: single nucleotide variant.
Coding change: c.1210-10T>A on transcript NM_001918.5 (MANE Select); 10 bases into the intron before coding-DNA position 1210, T replaced by A.
Molecular consequence: intron variant.
Genome position (GRCh38, 1-based): chr1:100,206,311, A>T on the plus strand (T>A on the coding strand, the complement: DBT is on the minus strand). VCF-style: chr1-100206311-A-T. GRCh37 (hg19) VCF-style: chr1-100671867-A-T.
Other names: p.?; c.1210-10T>A (NM_001918.4).
Identifiers: ClinVar variation 93985 (VCV000093985.25), dbSNP rs183058253, ClinGen allele CA147525.